The following is an entry in ClinVar:

NM_001863.5(COX6B1):c.1A>G (p.Met1Val)

Gene: COX6B1 (cytochrome c oxidase subunit 6B1; plus strand). Cytogenetic location: 19q13.12.
Variant type: single nucleotide variant.
Coding change: c.1A>G on transcript NM_001863.5 (MANE Select); coding-DNA position 1, A replaced by G.
Protein change: p.Met1Val; changes the start codon (methionine 1).
Molecular consequence: missense variant, initiator codon variant.
Genome position (GRCh38, 1-based): chr19:35,651,244, A>G. VCF-style: chr19-35651244-A-G. GRCh37 (hg19) VCF-style: chr19-36142146-A-G.
Other names: short protein forms M1V.
Identifiers: ClinVar variation 2421700 (VCV002421700.4), dbSNP rs894757791, ClinGen allele CA307777429.

ClinVar aggregate classification (germline): Uncertain significance (1 of 4 stars; one submission).

Allele frequency attached by ClinVar (database versions not stated): gnomAD 0.00001; TOPMed 0.00001.

Submission:

Labcorp Genetics (formerly Invitae), Labcorp
Classification: Uncertain significance. Last evaluated: 2022-06-01. Review status: criteria provided, single submitter. Criteria: Invitae Variant Classification Sherloc (09022015). Collection method: clinical testing. Allele origin: germline.
Comment: In summary, the available evidence is currently insufficient to determine the role of this variant in disease. Therefore, it has been classified as a Variant of Uncertain Significance. Experimental studies and prediction algorithms are not available or were not evaluated, and the functional significance of this variant is currently unknown. This variant has not been reported in the literature in individuals affected with COX6B1-related conditions. This variant is present in population databases (no rsID available, gnomAD 0.0009%). This sequence change affects the initiator methionine of the COX6B1 mRNA. The next in-frame methionine is located at codon 5.